The following is an entry in ClinVar:

ClinVar aggregate classification (germline): Pathogenic/Likely pathogenic. Review status: criteria provided, multiple submitters, no conflicts (2 of 4 stars). 4 submissions from 4 submitters: Pathogenic (1); Likely pathogenic (3). Last evaluated 2026-03-29.

Conditions:
Autosomal recessive early-onset Parkinson disease 23. Identifiers: Orphanet 2828, MedGen C4225186, MONDO:0014796, OMIM 616840.
VPS13C-related disorder. Also called: VPS13C-related condition.

Allele frequency attached by ClinVar (database versions not stated): TOPMed below 0.00001; ExAC 0.00002; gnomAD exomes 0.00001; ESP Exome Variant Server 0.00008.
gnomAD v4.1: 11 of 1,487,446 alleles (0.00074%); highest among the groups gnomAD compares: East Asian, 0.0026%; no homozygotes.

Submissions (4):

GeneDx
Classification: Likely pathogenic. Last evaluated: 2026-03-29. Review status: criteria provided, single submitter. Criteria: GeneDx Variant Classification Process June 2021. Collection method: clinical testing. Allele origin: germline.
Comment: Reported in the heterozygous state in a patient with isolated generalized dystonia; however, a second variant was not identified (PMID: 38219528); Nonsense variant predicted to result in protein truncation or nonsense mediated decay in a gene for which loss of function is a known mechanism of disease; Not observed at significant frequency in large population cohorts (gnomAD); This variant is associated with the following publications: (PMID: 38219528)

PreventionGenetics, part of Exact Sciences
Classification: Likely pathogenic for VPS13C-related condition. Last evaluated: 2026-01-20. Review status: criteria provided, single submitter. Criteria: ACMG Guidelines, 2015. Collection method: clinical testing. Allele origin: germline.
Comment: The VPS13C c.8806C>T variant is predicted to result in premature protein termination (p.Arg2936*). To our knowledge, this variant has not been reported in the literature. This variant is reported in 0.0021% of alleles in individuals of European (Non-Finnish) descent in gnomAD. Nonsense variants in VPS13C are expected to be pathogenic. This variant is interpreted as likely pathogenic.

Labcorp Genetics (formerly Invitae), Labcorp
Classification: Pathogenic. Last evaluated: 2025-09-12. Review status: criteria provided, single submitter. Criteria: Invitae Variant Classification Sherloc (09022015). Collection method: clinical testing. Allele origin: germline.
Comment: This sequence change creates a premature translational stop signal (p.Arg2936*) in the VPS13C gene. It is expected to result in an absent or disrupted protein product. Loss-of-function variants in VPS13C are known to be pathogenic (PMID: 26942284, 34875562). The frequency data for this variant in the population databases is considered unreliable, as metrics indicate poor data quality at this position in the gnomAD database. This variant has not been reported in the literature in individuals affected with VPS13C-related conditions. ClinVar contains an entry for this variant (Variation ID: 1325345). For these reasons, this variant has been classified as Pathogenic.

Revvity Omics, Revvity
Classification: Likely pathogenic for Autosomal recessive early-onset Parkinson disease 23. Last evaluated: 2020-01-08. Review status: criteria provided, single submitter. Criteria: ACMG Guidelines, 2015. Collection method: clinical testing. Allele origin: germline.

Literature cited by the submitters: PubMed 26942284 (cited by Labcorp Genetics (formerly Invitae), Labcorp); PubMed 34875562 (cited by Labcorp Genetics (formerly Invitae), Labcorp).

NM_020821.3(VPS13C):c.8806C>T (p.Arg2936Ter)

Gene: VPS13C (vacuolar protein sorting 13 homolog C; minus strand). Cytogenetic location: 15q22.2.
Variant type: single nucleotide variant.
Coding change: c.8806C>T on transcript NM_020821.3 (MANE Select); coding-DNA position 8806, C replaced by T.
Protein change: p.Arg2936Ter; replaces arginine 2936 with a stop codon.
Molecular consequence: nonsense.
Genome position (GRCh38, 1-based): chr15:61,910,215, G>A on the plus strand (C>T on the coding strand, the complement: VPS13C is on the minus strand). VCF-style: chr15-61910215-G-A. GRCh37 (hg19) VCF-style: chr15-62202414-G-A.
Other names: c.8806C>T, p.Arg2936Ter (NM_001018088.3); c.8677C>T, p.Arg2893Ter (NM_017684.5, NM_018080.4); short protein forms R2893*, R2936*.
Identifiers: ClinVar variation 1325345 (VCV001325345.7), dbSNP rs148074630, ClinGen allele CA7594875.
Genomic context (GRCh38, chr15:61,910,215, plus strand): 5'-AAAATAAAATATGAAAACTTACCAGATCTTCTAAGCTCAATAAAGTGCCATTATCCTGTC[G>A]GTTATAAAAGAATGGTTTGGAAGATCCTTCACAGCCCACCACTCTCACACAAAGTTTGCC-3'